The following is an entry in ClinVar:

ClinVar aggregate classification (germline): Pathogenic (1 of 4 stars; one submission).

Conditions:
Mendelian susceptibility to mycobacterial diseases due to complete IL12RB1 deficiency. Also called: IL12RB1 DEFICIENCY; Immunodeficiency 30. Identifiers: Orphanet 319552, MedGen C4013949, MONDO:0013955, OMIM 614891.

Submission:

Labcorp Genetics (formerly Invitae), Labcorp
Classification: Pathogenic for Mendelian susceptibility to mycobacterial diseases due to complete IL12RB1 deficiency. Last evaluated: 2025-07-15. Review status: criteria provided, single submitter. Criteria: Invitae Variant Classification Sherloc (09022015). Collection method: clinical testing. Allele origin: germline.
Comment: This sequence change creates a premature translational stop signal (p.Gln65*) in the IL12RB1 gene. It is expected to result in an absent or disrupted protein product. Loss-of-function variants in IL12RB1 are known to be pathogenic (PMID: 9603733, 12591909). This variant is present in population databases (no rsID available, gnomAD 0.06%). This variant has not been reported in the literature in individuals affected with IL12RB1-related conditions. Algorithms developed to predict the effect of sequence changes on RNA splicing suggest that this variant may disrupt the consensus splice site. For these reasons, this variant has been classified as Pathogenic.

Literature cited by the submitters: PubMed 9603733; PubMed 12591909.

NM_005535.3(IL12RB1):c.193C>T (p.Gln65Ter)

Gene: IL12RB1 (interleukin 12 receptor subunit beta 1; minus strand). Cytogenetic location: 19p13.11.
Variant type: single nucleotide variant.
Coding change: c.193C>T on transcript NM_005535.3 (MANE Select); coding-DNA position 193, C replaced by T.
Protein change: p.Gln65Ter; replaces glutamine 65 with a stop codon.
Molecular consequence: nonsense.
Genome position (GRCh38, 1-based): chr19:18,082,196, G>A on the plus strand (C>T on the coding strand, the complement: IL12RB1 is on the minus strand). VCF-style: chr19-18082196-G-A. GRCh37 (hg19) VCF-style: chr19-18193006-G-A.
Other names: c.193C>T, p.Gln65Ter (NM_001290023.2, NM_001440424.1, NM_001440425.1 and 1 more transcripts); c.313C>T, p.Gln105Ter (NM_001290024.2, NM_001440426.1, NM_001440427.1); short protein forms Q65*, Q105*.
Identifiers: ClinVar variation 4723244 (VCV004723244.1).